The following is an entry in ClinVar:

ClinVar aggregate classification (germline): Uncertain significance (1 of 4 stars; one submission).

Conditions:
Developmental and epileptic encephalopathy, 31A. Also called: Epileptic encephalopathy, early infantile, 31; Developmental and epileptic encephalopathy, 31. Identifiers: Orphanet 2382, MedGen C4225357, MONDO:0014598, OMIM 616346.

Submission:

Labcorp Genetics (formerly Invitae), Labcorp
Classification: Uncertain significance for Developmental and epileptic encephalopathy, 31A. Last evaluated: 2022-05-10. Review status: criteria provided, single submitter. Criteria: Invitae Variant Classification Sherloc (09022015). Collection method: clinical testing. Allele origin: germline.
Comment: This variant has not been reported in the literature in individuals affected with DNM1-related conditions. This sequence change replaces valine, which is neutral and non-polar, with alanine, which is neutral and non-polar, at codon 475 of the DNM1 protein (p.Val475Ala). This variant is not present in population databases (gnomAD no frequency). Algorithms developed to predict the effect of missense changes on protein structure and function are either unavailable or do not agree on the potential impact of this missense change (SIFT: "Deleterious"; PolyPhen-2: "Benign"; Align-GVGD: "Class C0"). In summary, the available evidence is currently insufficient to determine the role of this variant in disease. Therefore, it has been classified as a Variant of Uncertain Significance.

NM_004408.4(DNM1):c.1424T>C (p.Val475Ala)

Gene: DNM1 (dynamin 1; plus strand). Cytogenetic location: 9q34.11.
Variant type: single nucleotide variant.
Coding change: c.1424T>C on transcript NM_004408.4 (MANE Select); coding-DNA position 1424, T replaced by C.
Protein change: p.Val475Ala; replaces valine 475 with alanine.
Molecular consequence: missense variant.
Genome position (GRCh38, 1-based): chr9:128,239,446, T>C. VCF-style: chr9-128239446-T-C. GRCh37 (hg19) VCF-style: chr9-131001725-T-C.
Other names: c.1424T>C, p.Val475Ala (NM_001005336.3, NM_001288737.2, NM_001288738.2 and 2 more transcripts); short protein forms V475A.
Identifiers: ClinVar variation 2124632 (VCV002124632.4), dbSNP rs2539062174, ClinGen allele CA375023935.
Genomic context (GRCh38, chr9:128,239,446, plus strand): 5'-GCATTTTAAAACTTTGTGGTGTCTTTTGCGCTTGCCCACCAACCTATGTATCCTTGAAGG[T>C]CATGCTTCTCATCGATATCGAGCTGGCTTACATGAACACCAACCATGAGGACTTCATAGG-3'
Protein context (NP_004399.2, residues 465-485): REREGRTKEQ[Val475Ala]MLLIDIELAY